The following is an entry in ClinVar:

ClinVar aggregate classification (germline): Uncertain significance (1 of 4 stars; one submission).

gnomAD v4.1: 7 of 1,613,048 alleles (0.00043%); highest among the groups gnomAD compares: South Asian, 0.0033%; no homozygotes.

Submission:

GeneDx
Classification: Uncertain significance. Last evaluated: 2026-03-27. Review status: criteria provided, single submitter. Criteria: GeneDx Variant Classification Process June 2021. Collection method: clinical testing. Allele origin: germline.
Comment: In silico analysis supports that this missense variant has a deleterious effect on protein structure/function; Occurs in the triple helical domain at the Y position in the canonical Gly-X-Y repeat; although this variant may have an effect on normal protein folding and function, missense substitution at the Y position is not a common mechanism of disease (HGMD); Has not been previously published as pathogenic or benign to our knowledge

NM_001844.5(COL2A1):c.2750C>T (p.Pro917Leu)

Gene: COL2A1 (collagen type II alpha 1 chain; minus strand). Cytogenetic location: 12q13.11.
Variant type: single nucleotide variant.
Coding change: c.2750C>T on transcript NM_001844.5 (MANE Select); coding-DNA position 2750, C replaced by T.
Protein change: p.Pro917Leu; replaces proline 917 with leucine.
Molecular consequence: missense variant.
Genome position (GRCh38, 1-based): chr12:47,978,742, G>A on the plus strand (C>T on the coding strand, the complement: COL2A1 is on the minus strand). VCF-style: chr12-47978742-G-A. GRCh37 (hg19) VCF-style: chr12-48372525-G-A.
Other names: c.2543C>T, p.Pro848Leu (NM_033150.3); short protein forms P848L, P917L.
Identifiers: ClinVar variation 5016728 (VCV005016728.1).